The following is an entry in ClinVar:

ClinVar aggregate classification (germline): Uncertain significance. Review status: criteria provided, multiple submitters, no conflicts (2 of 4 stars). 2 submissions from 2 submitters: Uncertain significance (2). Last evaluated 2025-03-10.

Conditions:
NEK1-related disorder. Also called: NEK1-related condition.
Short-rib thoracic dysplasia 6 with or without polydactyly (SRTD6). Also called: Majewski Syndrome; POLYDACTYLY WITH NEONATAL CHONDRODYSTROPHY, TYPE II; SHORT RIB-POLYDACTYLY SYNDROME, TYPE IIA; SHORT-RIB THORACIC DYSPLASIA 6 WITH POLYDACTYLY; SHORT-RIB THORACIC DYSPLASIA 6 WITHOUT POLYDACTYLY. Identifiers: MedGen C0024507, MONDO:0009894, OMIM 263520.

Allele frequency attached by ClinVar (database versions not stated): ExAC 0.00001; gnomAD 0.00001; gnomAD exomes 0.00001; TOPMed 0.00002.
gnomAD v4.1: 20 of 1,606,212 alleles (0.0012%); highest among the groups gnomAD compares: Middle Eastern, 0.017%; no homozygotes.

Submissions (2):

PreventionGenetics, part of Exact Sciences
Classification: Uncertain significance for NEK1-related condition. Last evaluated: 2025-03-10. Review status: criteria provided, single submitter. Criteria: ACMG Guidelines, 2015. Collection method: clinical testing. Allele origin: germline.
Comment: The NEK1 c.2110A>G variant is predicted to result in the amino acid substitution p.Asn704Asp. To our knowledge, this variant has not been reported in the literature. This variant is reported in 0.0024% of alleles in individuals of European (Non-Finnish) descent in gnomAD. At this time, the clinical significance of this variant is uncertain due to the absence of conclusive functional and genetic evidence.

Labcorp Genetics (formerly Invitae), Labcorp
Classification: Uncertain significance for Short-rib thoracic dysplasia 6 with or without polydactyly. Last evaluated: 2023-05-01. Review status: criteria provided, single submitter. Criteria: Invitae Variant Classification Sherloc (09022015). Collection method: clinical testing. Allele origin: germline.
Comment: In summary, the available evidence is currently insufficient to determine the role of this variant in disease. Therefore, it has been classified as a Variant of Uncertain Significance. Advanced modeling of protein sequence and biophysical properties (such as structural, functional, and spatial information, amino acid conservation, physicochemical variation, residue mobility, and thermodynamic stability) performed at Invitae indicates that this missense variant is not expected to disrupt NEK1 protein function. This variant has not been reported in the literature in individuals affected with NEK1-related conditions. This variant is present in population databases (rs781688715, gnomAD 0.002%). This sequence change replaces asparagine, which is neutral and polar, with aspartic acid, which is acidic and polar, at codon 704 of the NEK1 protein (p.Asn704Asp).

NM_001199397.3(NEK1):c.2194A>G (p.Asn732Asp)

Gene: NEK1 (NIMA related kinase 1; minus strand). Cytogenetic location: 4q33.
Variant type: single nucleotide variant.
Coding change: c.2194A>G on transcript NM_001199397.3 (MANE Select); coding-DNA position 2194, A replaced by G.
Protein change: p.Asn732Asp; replaces asparagine 732 with aspartic acid.
Molecular consequence: missense variant. On other transcripts: non-coding transcript variant (1).
Genome position (GRCh38, 1-based): chr4:169,477,443, T>C on the plus strand (A>G on the coding strand, the complement: NEK1 is on the minus strand). VCF-style: chr4-169477443-T-C. GRCh37 (hg19) VCF-style: chr4-170398594-T-C.
Other names: c.2062A>G, p.Asn688Asp (NM_001199398.3); c.1903A>G, p.Asn635Asp (NM_001199399.3); c.1978A>G, p.Asn660Asp (NM_001199400.3); c.2194A>G, p.Asn732Asp (NM_001374418.1); c.2110A>G, p.Asn704Asp (NM_001374419.1, NM_012224.4); c.2059A>G, p.Asn687Asp (NM_001374420.1); c.1888A>G, p.Asn630Asp (NM_001374421.1); short protein forms N630D, N635D, N660D, N687D, N688D, N704D, N732D.
Identifiers: ClinVar variation 2635974 (VCV002635974.5), dbSNP rs781688715, ClinGen allele CA3137480.